The following continues an entry in ClinVar:

NM_000051.4(ATM):c.1636C>G (p.Leu546Val)

Gene: ATM. ClinVar aggregate classification (germline): Benign/Likely benign. Benign (17); Likely benign (3).

Submissions 26 to 30 of 30:

Department of Pathology and Laboratory Medicine, Sinai Health System
Classification: Benign. Review status: no assertion criteria provided. Collection method: clinical testing. Allele origin: unknown. Affected: yes. Study: The Canadian Open Genetics Repository (COGR). Not counted in ClinVar's aggregate classification.
Comment: The ATM p.Leu546Val variant was identified in 2 of 290 proband chromosomes (frequency: 0.007) from individuals or families with breast cancer or multiple myeloma and was not identified in 400 control chromosomes from healthy individuals (Austen 2008, Mangone 2015). The variant was also identified in the following databases: ClinVar (classified 6x as Benign, 1x as Likely Benign), Clinvitae (classified as 4x Benign, 1x conflicting interpretation of pathogenicity), Cosmic (1x as neutral), ATM-LOVD (1x effect unknown). The variant was not identified in MutDB or LOVD 3.0 databases. The variant was identified in control databases in 1340 of 277018 (35 homozygous) chromosomes at a frequency of 0.005 increasing the likelihood this could be a low frequency benign variant (Genome Aggregation Consortium Feb 27, 2017). The variant was identified in the following populations at a frequency greater than 1%: African in 1217 of 24034 chromosomes (freq: 0.051). One group studied the kinase activity of variants of ATM and found the p.Leu546Val variant to maintain normal kinase activity (Austen, 2008). The p.Leu546Val residue is conserved in mammals and computational analyses (PolyPhen-2, SIFT, AlignGVGD, BLOSUM, MutationTaster) provide inconsistent predictions regarding the impact to the protein; this information is not very predictive of pathogenicity. The variant occurs outside of the splicing consensus sequence and 3 of 5 in silico or computational prediction software programs (SpliceSiteFinder, MaxEntScan, NNSPLICE, GeneSplicer, HumanSpliceFinder) predict a greater than 10% difference in splicing. However, this information is not predictive enough to assume pathogenicity. In summary, based on the above information this variant meets our laboratory's criteria to be classified as benign.

Diagnostic Laboratory, Department of Genetics, University Medical Center Groningen
Classification: Benign. Review status: no assertion criteria provided. Collection method: clinical testing. Allele origin: germline. Affected: yes. Study: VKGL Data-share Consensus. Not counted in ClinVar's aggregate classification.

Genome Diagnostics Laboratory, University Medical Center Utrecht
Classification: Benign. Review status: no assertion criteria provided. Collection method: clinical testing. Allele origin: germline. Affected: yes. Study: VKGL Data-share Consensus. Not counted in ClinVar's aggregate classification.

Joint Genome Diagnostic Labs from Nijmegen and Maastricht, Radboudumc and MUMC+
Classification: Benign. Review status: no assertion criteria provided. Collection method: clinical testing. Allele origin: germline. Affected: yes. Study: VKGL Data-share Consensus. Not counted in ClinVar's aggregate classification.

Laboratory of Diagnostic Genome Analysis, Leiden University Medical Center (LUMC)
Classification: Benign. Review status: no assertion criteria provided. Collection method: clinical testing. Allele origin: germline. Affected: yes. Study: VKGL Data-share Consensus. Not counted in ClinVar's aggregate classification.

Literature cited by the submitters: PubMed 19431188 (cited by Mayo Clinic Laboratories, Mayo Clinic and Illumina Laboratory Services, Illumina); PubMed 25085752 (cited by Myriad Genetics, Inc.); PubMed 18573109 (cited by Athena Diagnostics); PubMed 19781682 (cited by Illumina Laboratory Services, Illumina); PubMed 12917204 (cited by Illumina Laboratory Services, Illumina); PubMed 24728327 (cited by ITMI).